The following is an entry in ClinVar:

ClinVar aggregate classification (germline): Uncertain significance (1 of 4 stars; one submission).

Conditions:
NPHP1-related disorder. Also called: NPHP1-related condition; NPHP1-related disorders.

gnomAD v4.1: 1 of 1,613,862 alleles (0.000062%); highest among the groups gnomAD compares: African/African-American, 0.0013%; no homozygotes.

Submission:

PreventionGenetics, part of Exact Sciences
Classification: Uncertain significance for NPHP1-related condition. Last evaluated: 2026-08-30. Review status: criteria provided, single submitter. Criteria: ACMG Guidelines, 2015. Collection method: clinical testing. Allele origin: germline.
Comment: The NPHP1 c.2198T>C variant is predicted to result in the amino acid substitution p.Val733Ala. To our knowledge, this variant has not been reported in the literature or in a large population database (gnomAD), indicating this variant is rare. At this time, the clinical significance of this variant is uncertain due to the absence of conclusive functional and genetic evidence.

NM_001128178.3(NPHP1):c.2030T>C (p.Val677Ala)

Gene: NPHP1 (nephrocystin 1; minus strand). Cytogenetic location: 2q13.
Variant type: single nucleotide variant.
Coding change: c.2030T>C on transcript NM_001128178.3 (MANE Select); coding-DNA position 2030, T replaced by C.
Protein change: p.Val677Ala; replaces valine 677 with alanine.
Molecular consequence: missense variant. On other transcripts: 3 prime UTR variant (1).
Genome position (GRCh38, 1-based): chr2:110,123,795, A>G on the plus strand (T>C on the coding strand, the complement: NPHP1 is on the minus strand). VCF-style: chr2-110123795-A-G. GRCh37 (hg19) VCF-style: chr2-110881372-A-G.
Other names: c.2198T>C, p.Val733Ala (NM_000272.5); c.1841T>C, p.Val614Ala (NM_001128179.3); c.2027T>C, p.Val676Ala (NM_001374256.1); c.*272T>C (NM_001374257.1); c.2195T>C, p.Val732Ala (NM_207181.4); short protein forms V614A, V677A, V732A, V676A, V733A.
Identifiers: ClinVar variation 4992198 (VCV004992198.1).
Genomic context (GRCh38, chr2:110,123,795, plus strand): 5'-AATCGTGGAGGATCCATCTGATTCCGTGGGAAGCTGAGGGCTAGAGGCTGCCACTGTCAC[A>G]CTGCATTCTTTCTCATTTCACCCAAGAAGTCATAGGTCTGCTCTGAAAGGTCAAAAGGTT-3'
Protein context (NP_001121650.1, residues 667-677): DFLGEMRKNA[Val677Ala]